The following is an entry in ClinVar:

ClinVar aggregate classification (germline): Uncertain significance (0 of 4 stars; one submission).

Conditions:
Prostate cancer. Also called: Malignant tumor of prostate. Identifiers: Orphanet 1331, MedGen C0376358, MONDO:0008315, HP:0012125.

Submission:

Science for Life laboratory,  Karolinska Institutet
Classification: Uncertain significance for Malignant tumor of prostate. Review status: no assertion criteria provided. Collection method: not provided. Allele origin: somatic.
Comment: TumorID:SWE-9
ClinVar note: Converted during submission from Unknown to Uncertain significance.

NM_004774.4(MED1):c.632T>G (p.Leu211Arg)

Gene: MED1 (mediator complex subunit 1; minus strand). Cytogenetic location: 17q12.
Variant type: single nucleotide variant.
Coding change: c.632T>G on transcript NM_004774.4 (MANE Select); coding-DNA position 632, T replaced by G.
Protein change: p.Leu211Arg; replaces leucine 211 with arginine.
Molecular consequence: missense variant.
Genome position (GRCh38, 1-based): chr17:39,431,132, A>C on the plus strand (T>G on the coding strand, the complement: MED1 is on the minus strand). VCF-style: chr17-39431132-A-C. GRCh37 (hg19) VCF-style: chr17-37587385-A-C.
Other names: short protein forms L211R.
Identifiers: ClinVar variation 161624 (VCV000161624.2), dbSNP rs193921049, ClinGen allele CA174481.
Genomic context (GRCh38, chr17:39,431,132, plus strand): 5'-TAAATTACACATGTTTCTAAACAAGCAAAATAGGATCACGTACCCCCACTCCTTGGTGTG[A>C]GATAGCCAACACTTCCATGAAGAATCTTATCCAAGGGACCAGCATTAGTTGCTTTCCTGT-3'
Protein context (NP_004765.2, residues 201-221): DKILHGSVGY[Leu211Arg]TPRSGGHLMN